The following is an entry in ClinVar:

NM_017636.4(TRPM4):c.1931G>A (p.Arg644His)

Gene: TRPM4 (transient receptor potential cation channel subfamily M member 4; plus strand). Cytogenetic location: 19q13.33.
Variant type: single nucleotide variant.
Coding change: c.1931G>A on transcript NM_017636.4 (MANE Select); coding-DNA position 1931, G replaced by A.
Protein change: p.Arg644His; replaces arginine 644 with histidine.
Molecular consequence: missense variant.
Genome position (GRCh38, 1-based): chr19:49,189,003, G>A. VCF-style: chr19-49189003-G-A. GRCh37 (hg19) VCF-style: chr19-49692260-G-A.
Other names: c.1931G>A (NM_017636.3); c.1931G>A, p.Arg644His (NM_001195227.2); c.1586G>A, p.Arg529His (NM_001321281.2); c.323G>A, p.Arg108His (NM_001321282.2); c.1409G>A, p.Arg470His (NM_001321283.2); c.869G>A, p.Arg290His (NM_001321285.2); short protein forms R529H, R644H, R108H, R470H, R290H.
Identifiers: ClinVar variation 871003 (VCV000871003.42), dbSNP rs1314486531, ClinGen allele CA406803826.

ClinVar aggregate classification (germline): Uncertain significance. Review status: criteria provided, multiple submitters, no conflicts (2 of 4 stars). 2 submissions from 2 submitters: Uncertain significance (2). Last evaluated 2025-07-09.

Conditions:
Cardiovascular phenotype. Identifiers: MedGen CN230736.

Allele frequency attached by ClinVar (database versions not stated): gnomAD below 0.00001; gnomAD exomes below 0.00001.
gnomAD v4.1: 2 of 1,614,126 alleles (0.00012%); highest among the groups gnomAD compares: South Asian, 0.0011%; no homozygotes.

Submissions (2):

Ambry Genetics
Classification: Uncertain significance for Cardiovascular phenotype. Last evaluated: 2025-07-09. Review status: criteria provided, single submitter. Criteria: Ambry Variant Classification Scheme 2023. Collection method: clinical testing. Allele origin: germline.
Comment: The p.R644H variant (also known as c.1931G>A), located in coding exon 14 of the TRPM4 gene, results from a G to A substitution at nucleotide position 1931. The arginine at codon 644 is replaced by histidine, an amino acid with highly similar properties. This amino acid position is conserved. In addition, this alteration is predicted to be tolerated by in silico analysis. Based on the available evidence, the clinical significance of this variant remains unclear.

CeGaT Center for Human Genetics Tuebingen
Classification: Uncertain significance. Last evaluated: 2020-05-01. Review status: criteria provided, single submitter. Criteria: CeGaT Center For Human Genetics Tuebingen Variant Classification Criteria Version 2. Collection method: clinical testing. Allele origin: germline. Affected: yes. Observed: 2 variant alleles.